The following is an entry in ClinVar:

ClinVar aggregate classification (germline): Uncertain significance (1 of 4 stars; one submission).

Conditions:
Cardiovascular phenotype. Identifiers: MedGen CN230736.

gnomAD v4.1: 1 of 1,612,384 alleles (0.000062%); highest among the groups gnomAD compares: South Asian, 0.0011%; no homozygotes.

Submission:

Ambry Genetics
Classification: Uncertain significance for Cardiovascular phenotype. Last evaluated: 2021-10-26. Review status: criteria provided, single submitter. Criteria: Ambry Variant Classification Scheme 2023. Collection method: clinical testing. Allele origin: germline.
Comment: The p.A222V variant (also known as c.665C>T), located in coding exon 7 of the TECRL gene, results from a C to T substitution at nucleotide position 665. The alanine at codon 222 is replaced by valine, an amino acid with similar properties. This amino acid position is conserved. In addition, this alteration is predicted to be tolerated by in silico analysis. Since supporting evidence is limited at this time, the clinical significance of this alteration remains unclear.

NM_001010874.5(TECRL):c.665C>T (p.Ala222Val)

Gene: TECRL (trans-2,3-enoyl-CoA reductase like; minus strand). Cytogenetic location: 4q13.1.
Variant type: single nucleotide variant.
Coding change: c.665C>T on transcript NM_001010874.5 (MANE Select); coding-DNA position 665, C replaced by T.
Protein change: p.Ala222Val; replaces alanine 222 with valine.
Molecular consequence: missense variant.
Genome position (GRCh38, 1-based): chr4:64,305,231, G>A on the plus strand (C>T on the coding strand, the complement: TECRL is on the minus strand). VCF-style: chr4-64305231-G-A. GRCh37 (hg19) VCF-style: chr4-65170949-G-A.
Other names: c.665C>T, p.Ala222Val (NM_001363796.1); short protein forms A222V.
Identifiers: ClinVar variation 1754727 (VCV001754727.2), dbSNP rs2476044662, ClinGen allele CA357052404.